The following is an entry in ClinVar:

NM_000051.4(ATM):c.8481T>G (p.Phe2827Leu)

Genes: C11orf65 (chromosome 11 open reading frame 65; minus strand), ATM (ATM serine/threonine kinase; plus strand). Cytogenetic location: 11q22.3.
Variant type: single nucleotide variant.
Coding change: c.8481T>G on transcript NM_000051.4 (MANE Select); coding-DNA position 8481, T replaced by G.
Protein change: p.Phe2827Leu; replaces phenylalanine 2827 with leucine.
Molecular consequence: missense variant. On other transcripts: intron variant (2).
Genome position (GRCh38, 1-based): chr11:108,345,805, T>G. VCF-style: chr11-108345805-T-G. GRCh37 (hg19) VCF-style: chr11-108216532-T-G.
Other names: c.8481T>G, p.Phe2827Leu (NM_001351834.2); c.641-36734A>C (NM_001330368.2); c.695-10513A>C (NM_001351110.2); short protein forms F2827L.
Identifiers: ClinVar variation 302254 (VCV000302254.23), dbSNP rs886047614, ClinGen allele CA10629786.

ClinVar aggregate classification (germline): Uncertain significance. Review status: criteria provided, multiple submitters, no conflicts (2 of 4 stars). 4 submissions from 4 submitters: Uncertain significance (4). Last evaluated 2025-09-18.

Conditions:
Hereditary cancer-predisposing syndrome. Also called: Neoplastic Syndromes, Hereditary; Hereditary neoplastic syndrome; Tumor predisposition; Hereditary Cancer Syndrome. Identifiers: Orphanet 140162, MedGen C0027672, MeSH D009386, MONDO:0015356.
Ataxia-telangiectasia syndrome (AT). Also called: Ataxia telangiectasia (A-T); Cerebello-oculocutaneous telangiectasia; Immunodeficiency with ataxia telangiectasia; LOUIS-BAR SYNDROME; AT, COMPLEMENTATION GROUP C; ATAXIA-TELANGIECTASIA, FRESNO VARIANT. Identifiers: Orphanet 100, MedGen C0004135, MONDO:0008840, OMIM 208900.

gnomAD v4.1: 1 of 1,613,922 alleles (0.000062%); no homozygotes.

Submissions (4):

Color Diagnostics, LLC DBA Color Health
Classification: Uncertain significance for Hereditary cancer-predisposing syndrome. Last evaluated: 2025-09-18. Review status: criteria provided, single submitter. Criteria: ACMG Guidelines, 2015. Collection method: clinical testing. Allele origin: germline.
Comment: This missense variant replaces phenylalanine with leucine at codon 2827 of the ATM protein. Computational prediction is inconclusive regarding the impact of this variant on protein structure and function. To our knowledge, functional studies have not been reported for this variant. This variant has been reported in individuals affected with pancreatic cancer (PMID: 34326862). This variant has not been identified in the general population by the Genome Aggregation Database (gnomAD). The available evidence is insufficient to determine the role of this variant in disease conclusively. Therefore, this variant is classified as a Variant of Uncertain Significance.

Ambry Genetics
Classification: Uncertain significance for Hereditary cancer-predisposing syndrome. Last evaluated: 2024-12-03. Review status: criteria provided, single submitter. Criteria: Ambry Variant Classification Scheme 2023. Collection method: clinical testing. Allele origin: germline.
Comment: The p.F2827L variant (also known as c.8481T>G), located in coding exon 57 of the ATM gene, results from a T to G substitution at nucleotide position 8481. The phenylalanine at codon 2827 is replaced by leucine, an amino acid with highly similar properties. This amino acid position is highly conserved in available vertebrate species. In addition, the in silico prediction for this alteration is inconclusive. Based on the available evidence, the clinical significance of this variant remains unclear.

Labcorp Genetics (formerly Invitae), Labcorp
Classification: Uncertain significance for Ataxia-telangiectasia syndrome. Last evaluated: 2024-10-08. Review status: criteria provided, single submitter. Criteria: Invitae Variant Classification Sherloc (09022015). Collection method: clinical testing. Allele origin: germline.
Comment: This sequence change replaces phenylalanine, which is neutral and non-polar, with leucine, which is neutral and non-polar, at codon 2827 of the ATM protein (p.Phe2827Leu). This variant is not present in population databases (gnomAD no frequency). This missense change has been observed in individual(s) with pancreatic cancer (PMID: 34326862). ClinVar contains an entry for this variant (Variation ID: 302254). Invitae Evidence Modeling of protein sequence and biophysical properties (such as structural, functional, and spatial information, amino acid conservation, physicochemical variation, residue mobility, and thermodynamic stability) has been performed for this missense variant. However, the output from this modeling did not meet the statistical confidence thresholds required to predict the impact of this variant on ATM protein function. This variant disrupts the p.Phe2827 amino acid residue in ATM. Other variant(s) that disrupt this residue have been determined to be pathogenic (PMID: 8755918, 9000145, 19431188, 25040471). This suggests that this residue is clinically significant, and that variants that disrupt this residue are likely to be disease-causing. In summary, the available evidence is currently insufficient to determine the role of this variant in disease. Therefore, it has been classified as a Variant of Uncertain Significance.

Illumina Laboratory Services, Illumina
Classification: Uncertain significance for Ataxia-telangiectasia syndrome. Last evaluated: 2018-01-13. Review status: criteria provided, single submitter. Criteria: ICSL Variant Classification Criteria 13 December 2019. Collection method: clinical testing. Allele origin: germline.

Literature cited by the submitters: PubMed 34326862 (cited by Color Diagnostics, LLC DBA Color Health and Labcorp Genetics (formerly Invitae), Labcorp); PubMed 8755918 (cited by Labcorp Genetics (formerly Invitae), Labcorp); PubMed 9000145 (cited by Labcorp Genetics (formerly Invitae), Labcorp); PubMed 19431188 (cited by Labcorp Genetics (formerly Invitae), Labcorp); PubMed 25040471 (cited by Labcorp Genetics (formerly Invitae), Labcorp).